The following is an entry in ClinVar:

ClinVar aggregate classification (germline): Likely benign. Review status: criteria provided, multiple submitters, no conflicts (2 of 4 stars). 2 submissions from 2 submitters: Likely benign (2). Last evaluated 2023-04-01.

Allele frequency attached by ClinVar (database versions not stated): TOPMed below 0.00001.

Submissions (2):

CeGaT Center for Human Genetics Tuebingen
Classification: Likely benign. Last evaluated: 2023-04-01. Review status: criteria provided, single submitter. Criteria: CeGaT Center For Human Genetics Tuebingen Variant Classification Criteria Version 2. Collection method: clinical testing. Allele origin: germline. Affected: yes. Observed: 1 variant allele.
Comment: UBQLN2: PM2:Supporting, BP4, BP7

Labcorp Genetics (formerly Invitae), Labcorp
Classification: Likely benign. Last evaluated: 2018-04-12. Review status: criteria provided, single submitter. Criteria: Invitae Variant Classification Sherloc (09022015). Collection method: clinical testing. Allele origin: germline.

NM_013444.4(UBQLN2):c.900C>A (p.Ser300=)

Gene: UBQLN2 (ubiquilin 2; plus strand). Cytogenetic location: Xp11.21.
Variant type: single nucleotide variant.
Coding change: c.900C>A on transcript NM_013444.4 (MANE Select); coding-DNA position 900, C replaced by A.
Protein change: p.Ser300=; no amino-acid change (serine 300 retained).
Molecular consequence: synonymous variant.
Genome position (GRCh38, 1-based): chrX:56,564,773, C>A. VCF-style: chrX-56564773-C-A. GRCh37 (hg19) VCF-style: chrX-56591206-C-A.
Identifiers: ClinVar variation 735267 (VCV000735267.27), dbSNP rs1451386394, ClinGen allele CA516701126.